The following is an entry in ClinVar:

ClinVar aggregate classification (germline): Pathogenic. Review status: reviewed by expert panel (3 of 4 stars). 6 submissions from 6 submitters: Pathogenic (1). 5 of the submissions do not count toward it. Last evaluated 2025-09-29.

Conditions:
AIPL1-related retinopathy. Also called: AIPL1 retinopathy. Identifiers: MedGen CN305590, MONDO:0100438.
Leber congenital amaurosis (LCA). Also called: Leber's amaurosis. Identifiers: Orphanet 65, MedGen C0339527, MeSH D057130, MONDO:0018998.
Leber congenital amaurosis 4 (LCA4). Identifiers: MedGen C1858386, MONDO:0011458, OMIM 604393.

Allele frequency attached by ClinVar (database versions not stated): gnomAD 0.00001; gnomAD exomes 0.00001 and 0.00002; TOPMed 0.00001; ExAC 0.00003; 1000 Genomes Project 0.00020; 1000 Genomes Project 30x 0.00031.

Submissions (6):

ClinGen Leber Congenital Amaurosis/early Onset Retinal Dystrophy Variant Curation Expert Panel, ClinGen
Classification: Pathogenic for AIPL1-related retinopathy. Last evaluated: 2025-09-29. Review status: reviewed by expert panel. Criteria: ClinGen LCAeoRD ACMG Specifications AIPL1 V1.0.0. Collection method: curation. Allele origin: germline. Inheritance: Autosomal recessive inheritance.
Comment: NM_014336.5(AIPL1):c.421C>T (p.Gln141Ter) is a nonsense variant that introduces a premature stop codon into exon 3 of 6 and is predicted to lead to nonsense-mediated decay in a gene in which loss-of-function is an established mechanism of disease (PVS1). This variant is present in gnomAD v.4.1.0 at a total allele frequency of 0.000002482, with 4 / 1611860 total alleles, which is lower than the ClinGen LCA/eoRD VCEP PM2_Supporting threshold of <0.0004 (PM2_Supporting). This variant has been reported in at least 4 unrelated probands with early-onset severe retinal dystrophy who were homozygous for the variant (1 point, PMID:31630094, PM3). This variant has also been reported in at least 4 probands with early-onset severe retinal dystrophy who were compound heterozygous with the p.Asp51Gly, p.Glu304Ter, or p.Lys214Asn variants confirmed in trans (PMID:31630094). These variants have not yet been classified by the ClinGen LCA/eoRD VCEP so were not counted for PM3. In summary, this variant meets the criteria to be classified as Pathogenic for AIPL1-related retinopathy based on the ACMG/AMP criteria applied, as specified by the ClinGen LCA/eoRD VCEP: PVS1, PM3, and PM2_supporting. (VCEP specifications version 1.0.0; date of approval 09/24/2025).

GeneDx
Classification: Pathogenic. Last evaluated: 2026-02-24. Review status: criteria provided, single submitter. Criteria: GeneDx Variant Classification Process June 2021. Collection method: clinical testing. Allele origin: germline. Not counted in ClinVar's aggregate classification.
Comment: Nonsense variant predicted to result in protein truncation or nonsense mediated decay in a gene for which loss of function is a known mechanism of disease; This variant is associated with the following publications: (PMID: 31964843, 36729443, 38880373, 25356976, 30029497, 31054281, 31576779, 31703130, 31630094, 33781268, 33090715, 25148430, 27422788)

Labcorp Genetics (formerly Invitae), Labcorp
Classification: Pathogenic for Leber congenital amaurosis 4. Last evaluated: 2025-10-24. Review status: criteria provided, single submitter. Criteria: Invitae Variant Classification Sherloc (09022015). Collection method: clinical testing. Allele origin: germline. Not counted in ClinVar's aggregate classification.
Comment: This sequence change creates a premature translational stop signal (p.Gln141*) in the AIPL1 gene. It is expected to result in an absent or disrupted protein product. Loss-of-function variants in AIPL1 are known to be pathogenic (PMID: 10615133, 15249368, 15347646). This variant is present in population databases (rs200125117, gnomAD 0.03%). This premature translational stop signal has been observed in individuals with inherited retinal dystrophy (PMID: 25356976, 30029497). ClinVar contains an entry for this variant (Variation ID: 916622). For these reasons, this variant has been classified as Pathogenic.

Women's Health and Genetics/Laboratory Corporation of America, LabCorp
Classification: Pathogenic for Leber congenital amaurosis. Last evaluated: 2024-01-29. Review status: criteria provided, single submitter. Criteria: LabCorp Variant Classification Summary - May 2015. Collection method: clinical testing. Allele origin: germline. Not counted in ClinVar's aggregate classification.
Comment: Variant summary: AIPL1 c.421C>T (p.Gln141X) results in a premature termination codon, predicted to cause a truncation of the encoded protein or absence of the protein due to nonsense mediated decay, which are commonly known mechanisms for disease. The variant allele was found at a frequency of 2.4e-05 in 249644 control chromosomes (gnomAD). The available data on variant occurrences in the general population are insufficient to allow any conclusion about variant significance. c.421C>T has been reported in the literature in both homozygous and compound heterozygous individuals affected with Leber Congenital Amaurosis (e.g., Xu_2020). These data indicate that the variant is very likely to be associated with disease. The following publication was ascertained in the context of this evaluation (PMID: 31630094). ClinVar contains an entry for this variant (Variation ID: 916622). Based on the evidence outlined above, the variant was classified as pathogenic.

Juno Genomics, Hangzhou Juno Genomics, Inc
Classification: Pathogenic for Leber congenital amaurosis 4. Review status: criteria provided, single submitter. Criteria: ACMG Guidelines, 2015. Collection method: clinical testing. Allele origin: germline. Not counted in ClinVar's aggregate classification.
Comment: Absent from controls (or at extremely low frequency if recessive) in Genome Aggregation Database.;Null variant in a gene where loss of function (LOF) is a known mechanism of disease.;For recessive disorders, detected in trans with a pathogenic variant.

Laboratory of Genetics in Ophthalmology, Institut Imagine
Classification: Pathogenic for Leber congenital amaurosis 4. Review status: no assertion criteria provided. Collection method: research. Allele origin: inherited. Affected: yes. Observed: 1 variant allele. Not counted in ClinVar's aggregate classification.

Literature cited by the submitters: PubMed 10615133 (cited by Labcorp Genetics (formerly Invitae), Labcorp); PubMed 15249368 (cited by Labcorp Genetics (formerly Invitae), Labcorp); PubMed 15347646 (cited by Labcorp Genetics (formerly Invitae), Labcorp); PubMed 25356976 (cited by Labcorp Genetics (formerly Invitae), Labcorp); PubMed 30029497 (cited by Labcorp Genetics (formerly Invitae), Labcorp); PubMed 31630094 (cited by Women's Health and Genetics/Laboratory Corporation of America, LabCorp); PubMed 25148430 (cited by Laboratory of Genetics in Ophthalmology, Institut Imagine).

NM_014336.5(AIPL1):c.421C>T (p.Gln141Ter)

Gene: AIPL1 (AIP like 1 HSP90 co-chaperone; minus strand). Cytogenetic location: 17p13.2.
Variant type: single nucleotide variant.
Coding change: c.421C>T on transcript NM_014336.5 (MANE Select); coding-DNA position 421, C replaced by T.
Protein change: p.Gln141Ter; replaces glutamine 141 with a stop codon.
Molecular consequence: nonsense. On other transcripts: intron variant (1).
Genome position (GRCh38, 1-based): chr17:6,428,362, G>A on the plus strand (C>T on the coding strand, the complement: AIPL1 is on the minus strand). VCF-style: chr17-6428362-G-A. GRCh37 (hg19) VCF-style: chr17-6331682-G-A.
Other names: NM_014336.5(AIPL1):c.421C>T; p.Gln141Ter; c.241C>T, p.Gln81Ter (NM_001033055.3); c.385C>T, p.Gln129Ter (NM_001285399.3); c.355C>T, p.Gln119Ter (NM_001285400.3); c.421C>T, p.Gln141Ter (NM_001285401.3, NM_001285403.4); c.304C>T, p.Gln102Ter (NM_001285402.2); c.277-1305C>T (NM_001033054.3); short protein forms Q102*, Q81*, Q119*, Q129*, Q141*.
Identifiers: ClinVar variation 916622 (VCV000916622.15), dbSNP rs200125117, ClinGen allele CA8328516.
Genomic context (GRCh38, chr17:6,428,362, plus strand): 5'-CCAACCCCAGCCCCACCTGCAGCAGCTCGATCACAAAGACCAGAGGCTGAGGCTCCTTCT[G>A]CAGCTCGTCCAGGTCCTCGTAGCCCAGCGTGTGGTAGGCGAACATGTTGGCCAGCCCGCA-3'